The following is an entry in ClinVar:

ClinVar aggregate classification (germline): Uncertain significance (1 of 4 stars; one submission).

Submission:

GeneDx
Classification: Uncertain significance. Last evaluated: 2025-04-09. Review status: criteria provided, single submitter. Criteria: GeneDx Variant Classification Process June 2021. Collection method: clinical testing. Allele origin: germline. Affected: yes.
Comment: Not observed at significant frequency in large population cohorts (gnomAD); In silico analysis indicates that this missense variant does not alter protein structure/function; Has not been previously published as pathogenic or benign to our knowledge

NM_001039591.3(USP9X):c.4895A>G (p.Lys1632Arg)

Gene: USP9X (ubiquitin specific peptidase 9 X-linked; plus strand). Cytogenetic location: Xp11.4.
Variant type: single nucleotide variant.
Coding change: c.4895A>G on transcript NM_001039591.3 (MANE Select); coding-DNA position 4895, A replaced by G.
Protein change: p.Lys1632Arg; replaces lysine 1632 with arginine.
Molecular consequence: missense variant.
Genome position (GRCh38, 1-based): chrX:41,205,373, A>G. VCF-style: chrX-41205373-A-G. GRCh37 (hg19) VCF-style: chrX-41064626-A-G.
Other names: c.4895A>G, p.Lys1632Arg (NM_001039590.3); c.4910A>G, p.Lys1637Arg (NM_001410748.1, NM_001410749.1, NM_001437534.1); short protein forms K1632R, K1637R.
Identifiers: ClinVar variation 4281985 (VCV004281985.1).